The following is an entry in ClinVar:

NM_001754.5(RUNX1):c.189C>G (p.Ala63=)

Gene: RUNX1 (RUNX family transcription factor 1; minus strand). Cytogenetic location: 21q22.12.
Variant type: single nucleotide variant.
Coding change: c.189C>G on transcript NM_001754.5 (MANE Select); coding-DNA position 189, C replaced by G.
Protein change: p.Ala63=; no amino-acid change (alanine 63 retained).
Molecular consequence: synonymous variant.
Genome position (GRCh38, 1-based): chr21:34,887,005, G>C on the plus strand (C>G on the coding strand, the complement: RUNX1 is on the minus strand). VCF-style: chr21-34887005-G-C. GRCh37 (hg19) VCF-style: chr21-36259302-G-C.
Other names: NM_001754.5(RUNX1):c.189C>G; p.Ala63=; c.108C>G, p.Ala36= (NM_001001890.3, NM_001122607.2).
Identifiers: ClinVar variation 1135117 (VCV001135117.13), dbSNP rs2058003198, ClinGen allele CA512318936.

ClinVar aggregate classification (germline): Likely benign. Review status: reviewed by expert panel (3 of 4 stars). 2 submissions from 2 submitters: Likely benign (1). 1 of the submissions does not count toward it. Last evaluated 2026-05-04.

Conditions:
Hereditary thrombocytopenia and hematological cancer predisposition syndrome associated with RUNX1. Also called: Familial Platelet Disorder with Propensity to Acute Myelogenous Leukemia; Familial thrombocytopenia with propensity to acute myelogenous leukemia; PLATELET DISORDER, ASPIRIN-LIKE; RUNX1 Familial Platelet Disorder with Associated Myeloid Malignancies. Identifiers: Orphanet 71290, MedGen C1832388, MeSH C563324, MONDO:0100083, OMIM 601399.
Hereditary thrombocytopenia and hematologic cancer predisposition syndrome. Identifiers: Orphanet 71290, MedGen CN281654, MONDO:0011071.

gnomAD v4.1: 4 of 1,602,920 alleles (0.00025%); highest among the groups gnomAD compares: Non-Finnish European, 0.00034%; no homozygotes.

Submissions (2):

ClinGen Myeloid Malignancy Variant Curation Expert Panel
Classification: Likely benign for Hereditary thrombocytopenia and hematologic cancer predisposition syndrome. Last evaluated: 2026-05-04. Review status: reviewed by expert panel. Criteria: ClinGen MyeloMalig ACMG Specifications V3.1. Collection method: curation. Allele origin: germline. Inheritance: Autosomal dominant inheritance.
Comment: NM_001754.5(RUNX1):c.189C>G (p.Ala63=) is a synonymous variant which has a SpliceAI score ≤ 0.20 (0.00) (BP4, BP7). This variant is completely absent from all population databases with at least 20x coverage for RUNX1 (PM2_supporting). In summary, this variant meets criteria to be classified as likely benign. ACMG/AMP criteria applied, as specified by the Myeloid Malignancy Variant Curation Expert Panel for RUNX1: BP4, BP7, PM2_supporting.

Labcorp Genetics (formerly Invitae), Labcorp
Classification: Likely benign for Hereditary thrombocytopenia and hematological cancer predisposition syndrome associated with RUNX1. Last evaluated: 2022-02-18. Review status: criteria provided, single submitter. Criteria: Invitae Variant Classification Sherloc (09022015). Collection method: clinical testing. Allele origin: germline. Not counted in ClinVar's aggregate classification.